The following is an entry in ClinVar:

ClinVar aggregate classification (germline): Pathogenic. Review status: criteria provided, multiple submitters, no conflicts (2 of 4 stars). 6 submissions from 6 submitters: Pathogenic (5). 1 of the submissions does not count toward it. Last evaluated 2026-06-23.

Conditions:
Polymicrogyria with or without vascular-type Ehlers-Danlos syndrome. Identifiers: Orphanet 636941, MedGen C5193040, MONDO:0032688, OMIM 618343.
Familial thoracic aortic aneurysm and aortic dissection (TAAD). Also called: Thoracic aortic aneurysms and dissections. Identifiers: Orphanet 91387, MedGen C4707243, MONDO:0019625.
Ehlers-Danlos syndrome, type 4 (EDSVASC). Also called: Ehlers-Danlos syndrome vascular type; Ehlers Danlos syndrome, ecchymotic type; Ehlers Danlos syndrome, arterial type; Ehlers Danlos syndrome, Sack-Barabas type; Ehlers-Danlos Syndrome Type IV. Identifiers: Orphanet 286, MedGen C0268338, MONDO:0017314, OMIM 130050.

gnomAD v4.1: 2 of 1,613,952 alleles (0.00012%); highest among the groups gnomAD compares: South Asian, 0.0011%; no homozygotes.

Submissions (6):

Ambry Genetics
Classification: Pathogenic for Familial thoracic aortic aneurysm and aortic dissection. Last evaluated: 2026-06-23. Review status: criteria provided, single submitter. Criteria: Ambry Variant Classification Scheme 2023. Collection method: clinical testing. Allele origin: germline.
Comment: The p.R596* pathogenic mutation (also known as c.1786C>T), located in coding exon 25 of the COL3A1 gene, results from a C to T substitution at nucleotide position 1786. This changes the amino acid from an arginine to a stop codon within coding exon 25. This variant was reported in individual(s) with features consistent with COL3A1-related Ehlers-Danlos syndrome (Pepin MG et al. Genet Med, 2014 Dec;16:881-8; J&oslash;rgensen A et al. Eur J Hum Genet, 2015 Jun;23:796-802; Vandervore L et al. J Med Genet, 2017 Jun;54:432-440). (Legrand A et al. Genet Med, 2019 Jul;21:1568-1575). This variant is considered to be rare based on population cohorts in the Genome Aggregation Database (gnomAD). This alteration is expected to result in loss of function by premature protein truncation or nonsense-mediated mRNA decay. As such, this alteration is interpreted as a disease-causing mutation.

GeneDx
Classification: Pathogenic. Last evaluated: 2025-08-04. Review status: criteria provided, single submitter. Criteria: GeneDx Variant Classification Process June 2021. Collection method: clinical testing. Allele origin: germline. Affected: yes.
Comment: Identified in compound heterozygous state with a missense COL3A1 variant in two siblings with vEDS; however, family members who were only heterozygous for p.(R596*) had no major features of vEDS, indicating marked clinical variability (PMID: 24922459, 25205403); Not observed at significant frequency in large population cohorts (gnomAD); Nonsense variant predicted to result in protein truncation or nonsense mediated decay in a gene for which loss of function is a known mechanism of disease; This variant is associated with the following publications: (PMID: 25205403, 28258187, 30474650, 24922459, 25758994)

Labcorp Genetics (formerly Invitae), Labcorp
Classification: Pathogenic for Ehlers-Danlos syndrome, type 4. Last evaluated: 2025-03-05. Review status: criteria provided, single submitter. Criteria: Invitae Variant Classification Sherloc (09022015). Collection method: clinical testing. Allele origin: germline.
Comment: This sequence change creates a premature translational stop signal (p.Arg596*) in the COL3A1 gene. It is expected to result in an absent or disrupted protein product. Loss-of-function variants in COL3A1 are known to be pathogenic (PMID: 24922459). This variant is not present in population databases (gnomAD no frequency). This premature translational stop signal has been observed in individual(s) with Ehlers-Danlos syndrome, vascular type (PMID: 25205403, 25758994). ClinVar contains an entry for this variant (Variation ID: 242648). For these reasons, this variant has been classified as Pathogenic.

SIB Swiss Institute of Bioinformatics
Classification: Pathogenic for Polymicrogyria with or without vascular-type Ehlers-Danlos syndrome. Last evaluated: 2019-07-08. Review status: criteria provided, single submitter. Criteria: ACMG Guidelines, 2015. Collection method: curation. Allele origin: unknown.
Comment: This variant is interpreted as a Pathogenic for Polymicrogyria with or without vascular-type Ehlers-Danlos syndrome, autosomal recessive. The following ACMG Tag(s) were applied: PM2, PVS1, PP1.

Fulgent Genetics
Classification: Pathogenic for Ehlers-Danlos syndrome, type 4. Last evaluated: 2018-10-31. Review status: criteria provided, single submitter. Criteria: ACMG Guidelines, 2015. Collection method: clinical testing. Allele origin: unknown.

OMIM
Classification: Pathogenic for POLYMICROGYRIA WITH VASCULAR-TYPE EHLERS-DANLOS SYNDROME. Last evaluated: 2019-03-05. Review status: no assertion criteria provided. Collection method: literature only. Allele origin: germline. Not counted in ClinVar's aggregate classification.

Literature cited by the submitters: PubMed 24922459 (cited by Ambry Genetics and Labcorp Genetics (formerly Invitae), Labcorp); PubMed 25205403 (cited by 4 submitters); PubMed 28258187 (cited by Ambry Genetics); PubMed 30474650 (cited by Ambry Genetics); PubMed 25758994 (cited by Labcorp Genetics (formerly Invitae), Labcorp).

NM_000090.4(COL3A1):c.1786C>T (p.Arg596Ter)

Gene: COL3A1 (collagen type III alpha 1 chain; plus strand). Cytogenetic location: 2q32.2.
Variant type: single nucleotide variant.
Coding change: c.1786C>T on transcript NM_000090.4 (MANE Select); coding-DNA position 1786, C replaced by T.
Protein change: p.Arg596Ter; replaces arginine 596 with a stop codon.
Molecular consequence: nonsense.
Genome position (GRCh38, 1-based): chr2:188,997,189, C>T. VCF-style: chr2-188997189-C-T. GRCh37 (hg19) VCF-style: chr2-189861915-C-T.
Other names: NP_000081.1:p.Arg596*; short protein forms R596*.
Identifiers: ClinVar variation 242648 (VCV000242648.19), dbSNP rs587779527, ClinGen allele CA004524.